The following continues an entry in ClinVar:

NM_024675.4(PALB2):c.1653T>A (p.Tyr551Ter)

Gene: PALB2. ClinVar aggregate classification (germline): Pathogenic/Likely pathogenic. Pathogenic (13); Likely pathogenic (1).

Submissions 11 to 17 of 17:

GeneDx
Classification: Pathogenic. Last evaluated: 2022-11-16. Review status: criteria provided, single submitter. Criteria: GeneDx Variant Classification Process June 2021. Collection method: clinical testing. Allele origin: germline. Affected: yes.
Comment: Nonsense variant predicted to result in protein truncation or nonsense mediated decay in a gene for which loss-of-function is a known mechanism of disease; Not observed at significant frequency in large population cohorts (gnomAD); Observed in individuals with a personal or family history consistent with pathogenic variants in this gene (Jones et al., 2009; Casadei et al., 2011; Blanco et al., 2013; Hu et al., 2018; Dorling et al., 2021); This variant is associated with the following publications: (PMID: 25583207, 27829436, 31446535, 19264984, 25525159, 21285249, 24141787, 23038782, 20871615, 24870022, 23935381, 21165770, 23935836, 31589614, 29922827, 17200672, 33471991, 31636395, 31757951)

Sema4
Classification: Pathogenic for Hereditary cancer-predisposing syndrome. Last evaluated: 2021-09-29. Review status: criteria provided, single submitter. Criteria: Sema4 Curation Guidelines. Collection method: curation. Allele origin: germline.
Comment: The PALB2 c.1653T>A (p.Y551X) variant has been reported in heterozygosity in at least 6 individuals with breast cancer and in compound heterozygosity in individuals with Fanconi Anemia (PMID: 21285249, 23935836, 33471991, 31446535, 17200672, 17924555). This nonsense variant creates a premature stop codon at residue 551 of the PALB2 gene. At this location, this is predicted to cause nonsense-mediated decay and result in an absent protein (loss of function). This variant was not observed in the large and broad cohorts of the Genome Aggregation Database (PMID: 32461654). The variant has been reported in ClinVar (Variation ID: 1243). Based on the current evidence available, this variant is interpreted as pathogenic variant.

Institute of Medical Genetics and Applied Genomics, University Hospital Tübingen
Classification: Pathogenic. Last evaluated: 2020-10-23. Review status: criteria provided, single submitter. Criteria: ACMG Guidelines, 2015. Collection method: clinical testing. Allele origin: germline. Inheritance: Autosomal unknown. Affected: yes.

CeGaT Center for Human Genetics Tuebingen
Classification: Likely pathogenic. Last evaluated: 2017-01-01. Review status: criteria provided, single submitter. Criteria: CeGaT Center For Human Genetics Tuebingen Variant Classification Criteria Version 2. Collection method: clinical testing. Allele origin: germline. Affected: yes. Observed: 1 variant allele.

Leiden Open Variation Database
Classification: Pathogenic. Last evaluated: 2019-05-13. Review status: no assertion criteria provided. Collection method: curation. Allele origin: germline. Affected: yes. Not counted in ClinVar's aggregate classification.
Comment: Curators: Marc Tischkowitz, Arleen D. Auerbach. Submitters to LOVD: Arleen D. Auerbach, Johan de Winter, LOVD-team, but with Curator vacancy, Marc Tischkowitz.

OMIM
Classification: Pathogenic for FANCONI ANEMIA, COMPLEMENTATION GROUP N. Last evaluated: 2007-02-01. Review status: no assertion criteria provided. Collection method: literature only. Allele origin: germline. Not counted in ClinVar's aggregate classification.

OMIM
Classification: risk factor for BREAST-OVARIAN CANCER, FAMILIAL, SUSCEPTIBILITY TO, 5. Last evaluated: 2007-02-01. Review status: no assertion criteria provided. Collection method: literature only. Allele origin: germline. Not counted in ClinVar's aggregate classification.

Literature cited by the submitters: PubMed 17200672 (cited by 9 submitters); PubMed 17200668 (cited by Labcorp Genetics (formerly Invitae), Labcorp); PubMed 17200671 (cited by Labcorp Genetics (formerly Invitae), Labcorp); PubMed 24136930 (cited by Labcorp Genetics (formerly Invitae), Labcorp); PubMed 25099575 (cited by 3 submitters); PubMed 21285249 (cited by 5 submitters); PubMed 23935836 (cited by 5 submitters); PubMed 25525159 (cited by Ambry Genetics); PubMed 25583207 (cited by Ambry Genetics); PubMed 28319063 (cited by Ambry Genetics); PubMed 31446535 (cited by 3 submitters); PubMed 31636395 (cited by Ambry Genetics); PubMed 31757951 (cited by Ambry Genetics and Color Diagnostics, LLC DBA Color Health); PubMed 17924555 (cited by 3 submitters); PubMed 33471991 (cited by Sema4); PubMed 19264984 (cited by Leiden Open Variation Database); PubMed 31841383 (cited by OMIM).